The following is an entry in ClinVar:

ClinVar aggregate classification (germline): Likely benign (1 of 4 stars; one submission).

Allele frequency attached by ClinVar (database versions not stated): ExAC 0.00002.
gnomAD v4.1: 19 of 1,613,116 alleles (0.0012%); highest among the groups gnomAD compares: Middle Eastern, 0.033%; no homozygotes.

Submission:

CeGaT Center for Human Genetics Tuebingen
Classification: Likely benign. Last evaluated: 2022-06-01. Review status: criteria provided, single submitter. Criteria: CeGaT Center For Human Genetics Tuebingen Variant Classification Criteria Version 2. Collection method: clinical testing. Allele origin: germline. Affected: yes. Observed: 1 variant allele.
Comment: EDAR: BP4, BP7

NM_022336.4(EDAR):c.852C>T (p.Val284=)

Genes: EDAR (ectodysplasin A receptor; minus strand), RANBP2 (RAN binding protein 2; plus strand). Cytogenetic location: 2q13.
Variant type: single nucleotide variant.
Coding change: c.852C>T on transcript NM_022336.4 (MANE Select); coding-DNA position 852, C replaced by T.
Protein change: p.Val284=; no amino-acid change (valine 284 retained).
Molecular consequence: synonymous variant.
Genome position (GRCh38, 1-based): chr2:108,907,971, G>A on the plus strand (C>T on the coding strand, the complement: EDAR is on the minus strand). VCF-style: chr2-108907971-G-A. GRCh37 (hg19) VCF-style: chr2-109524427-G-A.
Identifiers: ClinVar variation 2651258 (VCV002651258.24), dbSNP rs754541133, ClinGen allele CA1824901.